The following is an entry in ClinVar:

NM_003742.4(ABCB11):c.1638+32T>C

Gene: ABCB11 (ATP binding cassette subfamily B member 11; minus strand). Cytogenetic location: 2q31.1.
Variant type: single nucleotide variant.
Coding change: c.1638+32T>C on transcript NM_003742.4 (MANE Select); 32 bases into the intron after coding-DNA position 1638, T replaced by C.
Molecular consequence: intron variant.
Genome position (GRCh38, 1-based): chr2:168,971,815, A>G on the plus strand (T>C on the coding strand, the complement: ABCB11 is on the minus strand). VCF-style: chr2-168971815-A-G. GRCh37 (hg19) VCF-style: chr2-169828325-A-G.
Identifiers: ClinVar variation 1184647 (VCV001184647.7), dbSNP rs2241340, ClinGen allele CA1951511.

ClinVar aggregate classification (germline): Benign. Review status: criteria provided, multiple submitters, no conflicts (2 of 4 stars). 5 submissions from 4 submitters: Benign (5). Last evaluated 2026-04-14.

Conditions:
Benign recurrent intrahepatic cholestasis type 2 (BRIC2). Also called: Recurrent familial intrahepatic cholestasis 2. Identifiers: Orphanet 65682, Orphanet 99961, MedGen C2608083, MONDO:0011559, OMIM 605479.
Familial intrahepatic cholestasis. Identifiers: Orphanet 284385, MedGen CN296401, MONDO:0017290.
Progressive familial intrahepatic cholestasis type 2. Identifiers: Orphanet 79304, MedGen C3489789, MONDO:0011156, OMIM 601847.

Allele frequency attached by ClinVar (database versions not stated): gnomAD 0.57009 and 0.57198; TOPMed 0.57092; gnomAD exomes 0.57177 and 0.59402; ExAC 0.58203; 1000 Genomes Project 30x 0.59057; ESP Exome Variant Server 0.59433; 1000 Genomes Project 0.59625.
gnomAD v4.1: 945,763 of 1,598,154 alleles (59%); highest among the groups gnomAD compares: East Asian, 75%; 281,704 homozygotes.

Submissions (5):

Genomenon, Inc
Classification: Benign for Familial intrahepatic cholestasis. Last evaluated: 2026-04-14. Review status: criteria provided, single submitter. Criteria: Genomenon Sequence Variant Interpretation Standards - Updated. Collection method: curation. Allele origin: germline. Affected: no.
Comment: ABCB11 c.1638+32T>C is an intronic variant located in intron 14. This variant is present at high allele frequency in population databases. In conclusion, we classify ABCB11 c.1638+32T>C as a benign variant.

Genome-Nilou Lab
Classification: Benign for Benign recurrent intrahepatic cholestasis type 2. Last evaluated: 2021-07-10. Review status: criteria provided, single submitter. Criteria: ACMG Guidelines, 2015. Collection method: clinical testing. Allele origin: germline. Affected: no.

Genome-Nilou Lab
Classification: Benign for Progressive familial intrahepatic cholestasis type 2. Last evaluated: 2021-07-10. Review status: criteria provided, single submitter. Criteria: ACMG Guidelines, 2015. Collection method: clinical testing. Allele origin: germline. Affected: no.

GeneDx
Classification: Benign. Last evaluated: 2018-06-29. Review status: criteria provided, single submitter. Criteria: GeneDx Variant Classification Process June 2021. Collection method: clinical testing. Allele origin: germline. Affected: yes.

Breakthrough Genomics
Classification: Benign. Review status: criteria provided, single submitter. Criteria: ACMG Guidelines, 2015. Collection method: not provided. Allele origin: germline. Inheritance: Autosomal recessive inheritance. Affected: yes.